The following is an entry in ClinVar:

ClinVar aggregate classification (germline): Uncertain significance. Review status: criteria provided, multiple submitters, no conflicts (2 of 4 stars). 4 submissions from 4 submitters: Uncertain significance (3). 1 of the submissions does not count toward it. Last evaluated 2026-02-09.

Conditions:
TRIOBP-related disorder. Also called: TRIOBP-related condition.
Autosomal recessive nonsyndromic hearing loss 28. Identifiers: Orphanet 90636, MedGen C1853276, MONDO:0012355, OMIM 609823.

Allele frequency attached by ClinVar (database versions not stated): gnomAD 0.00005 and 0.00008; TOPMed 0.00007; gnomAD exomes 0.00008 and 0.00015; ExAC 0.00020; 1000 Genomes Project 30x 0.00031; 1000 Genomes Project 0.00040.

Submissions (4):

PreventionGenetics, part of Exact Sciences
Classification: Uncertain significance for TRIOBP-related condition. Last evaluated: 2026-02-09. Review status: criteria provided, single submitter. Criteria: ACMG Guidelines, 2015. Collection method: clinical testing. Allele origin: germline.
Comment: The TRIOBP c.154G>A variant is predicted to result in the amino acid substitution p.Asp52Asn. This variant was reported in an individual with late onset hearing loss, although information on a second potentially causative variant was not provided (Table S2, Miyagawa et al. 2013. PubMed ID: 23967202; Gao et al. 2019. PubMed ID: 31178897). This variant is reported in 0.15% of alleles in individuals of East Asian descent in gnomAD. At this time, the clinical significance of this variant is uncertain due to the absence of conclusive functional and genetic evidence.

Blueprint Genetics
Classification: Uncertain significance. Last evaluated: 2023-11-09. Review status: criteria provided, single submitter. Criteria: ACMG Guidelines, 2015. Collection method: clinical testing. Allele origin: germline.

Labcorp Genetics (formerly Invitae), Labcorp
Classification: Uncertain significance. Last evaluated: 2022-08-09. Review status: criteria provided, single submitter. Criteria: Invitae Variant Classification Sherloc (09022015). Collection method: clinical testing. Allele origin: germline.
Comment: Algorithms developed to predict the effect of missense changes on protein structure and function are either unavailable or do not agree on the potential impact of this missense change (SIFT: "Deleterious"; PolyPhen-2: "Probably Damaging"; Align-GVGD: "Class C0"). In summary, the available evidence is currently insufficient to determine the role of this variant in disease. Therefore, it has been classified as a Variant of Uncertain Significance. ClinVar contains an entry for this variant (Variation ID: 626273). This missense change has been observed in individual(s) with deafness (PMID: 23967202, 28089734, 31178897). This variant is present in population databases (rs147691840, gnomAD 0.1%), including at least one homozygous and/or hemizygous individual. This sequence change replaces aspartic acid, which is acidic and polar, with asparagine, which is neutral and polar, at codon 52 of the TRIOBP protein (p.Asp52Asn).

Biochemistry Laboratory of CDMU, Chengde Medical University
Classification: Uncertain significance for Autosomal recessive nonsyndromic hearing loss 28. Review status: no assertion criteria provided. Criteria: ACMG Guidelines, 2015. Collection method: case-control. Allele origin: inherited. Affected: yes. Not counted in ClinVar's aggregate classification.

Literature cited by the submitters: PubMed 23967202 (cited by Labcorp Genetics (formerly Invitae), Labcorp); PubMed 28089734 (cited by Labcorp Genetics (formerly Invitae), Labcorp); PubMed 31178897 (cited by Labcorp Genetics (formerly Invitae), Labcorp).

NM_001039141.3(TRIOBP):c.154G>A (p.Asp52Asn)

Gene: TRIOBP (TRIO and F-actin binding protein; plus strand). Cytogenetic location: 22q13.1.
Variant type: single nucleotide variant.
Coding change: c.154G>A on transcript NM_001039141.3 (MANE Select); coding-DNA position 154, G replaced by A.
Protein change: p.Asp52Asn; replaces aspartic acid 52 with asparagine.
Molecular consequence: missense variant.
Genome position (GRCh38, 1-based): chr22:37,710,466, G>A. VCF-style: chr22-37710466-G-A. GRCh37 (hg19) VCF-style: chr22-38106473-G-A.
Other names: short protein forms D52N.
Identifiers: ClinVar variation 626273 (VCV000626273.12), dbSNP rs147691840, ClinGen allele CA10223259.
Genomic context (GRCh38, chr22:37,710,466, plus strand): 5'-CTCTCTCCAACCCTGGCCCAGGAGCTCAGGAGCCCTTCAGGTGCTGAGGTGCCCTACTGC[G>A]ACCTGCCTCGATGTCCACCTGCCCCTGAGGACCCACTCAGCGCCTCAACCTCCGGCTGCC-3'
Protein context (NP_001034230.1, residues 42-62): SPSGAEVPYC[Asp52Asn]LPRCPPAPED